The following is an entry in ClinVar:

ClinVar aggregate classification (germline): Uncertain significance (1 of 4 stars; one submission).

Conditions:
Facioscapulohumeral muscular dystrophy 2 (FSHD2). Also called: MUSCULAR DYSTROPHY, FACIOSCAPULOHUMERAL, TYPE 1B; FACIOSCAPULOHUMERAL MUSCULAR DYSTROPHY 2, DIGENIC; FSHD2, DIGENIC. Identifiers: Orphanet 269, MedGen C1834671, MONDO:0008031, OMIM 158901.

gnomAD v4.1: 10 of 1,613,174 alleles (0.00062%); highest among the groups gnomAD compares: Admixed American, 0.0017%; no homozygotes.

Submission:

Labcorp Genetics (formerly Invitae), Labcorp
Classification: Uncertain significance for Facioscapulohumeral muscular dystrophy 2. Last evaluated: 2025-06-09. Review status: criteria provided, single submitter. Criteria: Invitae Variant Classification Sherloc (09022015). Collection method: clinical testing. Allele origin: germline.
Comment: This sequence change replaces valine, which is neutral and non-polar, with isoleucine, which is neutral and non-polar, at codon 953 of the SMCHD1 protein (p.Val953Ile). This variant is present in population databases (rs766378396, gnomAD 0.0009%). This variant has not been reported in the literature in individuals affected with SMCHD1-related conditions. ClinVar contains an entry for this variant (Variation ID: 3730777). Invitae Evidence Modeling of protein sequence and biophysical properties (such as structural, functional, and spatial information, amino acid conservation, physicochemical variation, residue mobility, and thermodynamic stability) indicates that this missense variant is not expected to disrupt SMCHD1 protein function with a negative predictive value of 80%. In summary, the available evidence is currently insufficient to determine the role of this variant in disease. Therefore, it has been classified as a Variant of Uncertain Significance.

NM_015295.3(SMCHD1):c.2857G>A (p.Val953Ile)

Gene: SMCHD1 (structural maintenance of chromosomes flexible hinge domain containing 1; plus strand). Cytogenetic location: 18p11.32.
Variant type: single nucleotide variant.
Coding change: c.2857G>A on transcript NM_015295.3 (MANE Select); coding-DNA position 2857, G replaced by A.
Protein change: p.Val953Ile; replaces valine 953 with isoleucine.
Molecular consequence: missense variant.
Genome position (GRCh38, 1-based): chr18:2,728,540, G>A. VCF-style: chr18-2728540-G-A. GRCh37 (hg19) VCF-style: chr18-2728538-G-A.
Other names: short protein forms V953I.
Identifiers: ClinVar variation 3730777 (VCV003730777.2).